The following is an entry in ClinVar:

ClinVar aggregate classification (germline): Pathogenic (1 of 4 stars; one submission).

Conditions:
Colorectal cancer, hereditary nonpolyposis, type 7. Identifiers: Orphanet 144, MedGen C1858380, MONDO:0013725, OMIM 614385.

Submission:

Myriad Genetics, Inc.
Classification: Pathogenic for Colorectal cancer, hereditary nonpolyposis, type 7. Last evaluated: 2026-09-09. Review status: criteria provided, single submitter. Criteria: Myriad Autosomal Dominant, Autosomal Recessive and X-Linked Classification Criteria (2023). Collection method: clinical testing. Allele origin: unknown.
Comment: This variant is considered pathogenic. This variant creates a termination codon and is predicted to result in premature protein truncation.

NM_001040108.2(MLH3):c.1084_1085del (p.Asp361_Ile362insTer)

Gene: MLH3 (mutL homolog 3; minus strand). Cytogenetic location: 14q24.3.
Variant type: Microsatellite.
Coding change: c.1084_1085del on transcript NM_001040108.2 (MANE Select); coding-DNA positions 1084 to 1085, 2 bases deleted (AT; older notation c.1084_1085delAT).
Protein change: p.Asp361_Ile362insTer.
Molecular consequence: nonsense.
Genome position (GRCh38, 1-based): chr14:75,048,571-75,048,572, AT deleted on the plus strand (AT on the coding strand, the reverse complement: MLH3 is on the minus strand); deleting any 2 consecutive bases within chr14:75,048,571-75,048,574 gives the same sequence; the c. name uses the placement nearest the transcript's 3' end. VCF-style (leftmost placement, unchanged base first): chr14-75048570-AAT-A. GRCh37 (hg19) VCF-style: chr14-75515273-AAT-A.
Other names: c.1084_1085del, p.Asp361_Ile362insTer (NM_014381.3).
Identifiers: ClinVar variation 5042281 (VCV005042281.1).